The following is an entry in ClinVar:

NM_003849.4(SUCLG1):c.272G>A (p.Gly91Glu)

Gene: SUCLG1 (succinate-CoA ligase GDP/ADP-forming subunit alpha; minus strand). Cytogenetic location: 2p11.2.
Variant type: single nucleotide variant.
Coding change: c.272G>A on transcript NM_003849.4 (MANE Select); coding-DNA position 272, G replaced by A.
Protein change: p.Gly91Glu; replaces glycine 91 with glutamic acid.
Molecular consequence: missense variant.
Genome position (GRCh38, 1-based): chr2:84,443,330, C>T on the plus strand (G>A on the coding strand, the complement: SUCLG1 is on the minus strand). VCF-style: chr2-84443330-C-T. GRCh37 (hg19) VCF-style: chr2-84670454-C-T.
Other names: short protein forms G91E.
Identifiers: ClinVar variation 2054473 (VCV002054473.4), dbSNP rs1225454425, ClinGen allele CA347516218.

ClinVar aggregate classification (germline): Uncertain significance (1 of 4 stars; one submission).

Conditions:
Mitochondrial DNA depletion syndrome 9 (MTDPS9). Also called: SUCLG1-Related Mitochondrial DNA Depletion Syndrome, Encephalomyopathic Form with Methylmalonic Aciduria. Identifiers: Orphanet 17, MedGen C3151476, MONDO:0009504, OMIM 245400.

Allele frequency attached by ClinVar (database versions not stated): TOPMed below 0.00001; gnomAD 0.00001.
gnomAD v4.1: 1 of 1,614,082 alleles (0.000062%); highest among the groups gnomAD compares: African/African-American, 0.0013%; no homozygotes.

Submission:

Labcorp Genetics (formerly Invitae), Labcorp
Classification: Uncertain significance for Mitochondrial DNA depletion syndrome 9. Last evaluated: 2024-03-11. Review status: criteria provided, single submitter. Criteria: Invitae Variant Classification Sherloc (09022015). Collection method: clinical testing. Allele origin: germline.
Comment: This sequence change replaces glycine, which is neutral and non-polar, with glutamic acid, which is acidic and polar, at codon 91 of the SUCLG1 protein (p.Gly91Glu). This variant is present in population databases (no rsID available, gnomAD 0.007%). This variant has not been reported in the literature in individuals affected with SUCLG1-related conditions. ClinVar contains an entry for this variant (Variation ID: 2054473). Advanced modeling of protein sequence and biophysical properties (such as structural, functional, and spatial information, amino acid conservation, physicochemical variation, residue mobility, and thermodynamic stability) has been performed at Invitae for this missense variant, however the output from this modeling did not meet the statistical confidence thresholds required to predict the impact of this variant on SUCLG1 protein function. In summary, the available evidence is currently insufficient to determine the role of this variant in disease. Therefore, it has been classified as a Variant of Uncertain Significance.